The following is an entry in ClinVar:

NM_014806.5(RUSC2):c.3266A>G (p.Tyr1089Cys)

Gene: RUSC2 (RUN and SH3 domain containing 2; plus strand). Cytogenetic location: 9p13.3.
Variant type: single nucleotide variant.
Coding change: c.3266A>G on transcript NM_014806.5 (MANE Select); coding-DNA position 3266, A replaced by G.
Protein change: p.Tyr1089Cys; replaces tyrosine 1089 with cysteine.
Molecular consequence: missense variant. On other transcripts: non-coding transcript variant (1).
Genome position (GRCh38, 1-based): chr9:35,558,492, A>G. VCF-style: chr9-35558492-A-G. GRCh37 (hg19) VCF-style: chr9-35558489-A-G.
Other names: c.3266A>G, p.Tyr1089Cys (NM_001135999.2); c.632A>G, p.Tyr211Cys (NM_001330740.2); short protein forms Y1089C, Y211C.
Identifiers: ClinVar variation 1951028 (VCV001951028.2), dbSNP rs1339450926, ClinGen allele CA373349281.

ClinVar aggregate classification (germline): Uncertain significance (1 of 4 stars; one submission).

Allele frequency attached by ClinVar (database versions not stated): gnomAD exomes below 0.00001.
gnomAD v4.1: 4 of 1,614,072 alleles (0.00025%); highest among the groups gnomAD compares: Admixed American, 0.0017%; no homozygotes.

Submission:

Labcorp Genetics (formerly Invitae), Labcorp
Classification: Uncertain significance. Last evaluated: 2022-08-23. Review status: criteria provided, single submitter. Criteria: Invitae Variant Classification Sherloc (09022015). Collection method: clinical testing. Allele origin: germline.
Comment: This sequence change replaces tyrosine, which is neutral and polar, with cysteine, which is neutral and slightly polar, at codon 1089 of the RUSC2 protein (p.Tyr1089Cys). This variant is present in population databases (no rsID available, gnomAD 0.003%). This variant has not been reported in the literature in individuals affected with RUSC2-related conditions. Algorithms developed to predict the effect of missense changes on protein structure and function output the following: SIFT: "Tolerated"; PolyPhen-2: "Benign"; Align-GVGD: "Class C0". The cysteine amino acid residue is found in multiple mammalian species, which suggests that this missense change does not adversely affect protein function. In summary, the available evidence is currently insufficient to determine the role of this variant in disease. Therefore, it has been classified as a Variant of Uncertain Significance.